The following is an entry in ClinVar:

ClinVar aggregate classification (germline): Uncertain significance (1 of 4 stars; one submission).

Conditions:
Achondrogenesis, type IA (ACG1A). Identifiers: Orphanet 932, Orphanet 93299, MedGen C0265273, MONDO:0008701, OMIM 200600.

Submission:

Labcorp Genetics (formerly Invitae), Labcorp
Classification: Uncertain significance for Achondrogenesis, type IA. Last evaluated: 2023-08-30. Review status: criteria provided, single submitter. Criteria: Invitae Variant Classification Sherloc (09022015). Collection method: clinical testing. Allele origin: germline.
Comment: In summary, the available evidence is currently insufficient to determine the role of this variant in disease. Therefore, it has been classified as a Variant of Uncertain Significance. This sequence change falls in intron 15 of the TRIP11 gene. It does not directly change the encoded amino acid sequence of the TRIP11 protein. It affects a nucleotide within the consensus splice site. This variant is not present in population databases (gnomAD no frequency). This variant has not been reported in the literature in individuals affected with TRIP11-related conditions. ClinVar contains an entry for this variant (Variation ID: 1390830). Variants that disrupt the consensus splice site are a relatively common cause of aberrant splicing (PMID: 17576681, 9536098). Algorithms developed to predict the effect of sequence changes on RNA splicing suggest that this variant may disrupt the consensus splice site.

Literature cited by the submitters: PubMed 17576681; PubMed 9536098.

NM_004239.4(TRIP11):c.5161-3C>G

Gene: TRIP11 (thyroid hormone receptor interactor 11; minus strand). Cytogenetic location: 14q32.12.
Variant type: single nucleotide variant.
Coding change: c.5161-3C>G on transcript NM_004239.4 (MANE Select); 3 bases into the intron before coding-DNA position 5161, C replaced by G.
Molecular consequence: intron variant.
Genome position (GRCh38, 1-based): chr14:91,988,386, G>C on the plus strand (C>G on the coding strand, the complement: TRIP11 is on the minus strand). VCF-style: chr14-91988386-G-C. GRCh37 (hg19) VCF-style: chr14-92454730-G-C.
Other names: c.5158-3C>G (NM_001321851.1).
Identifiers: ClinVar variation 1390830 (VCV001390830.6), dbSNP rs2140097525, ClinGen allele CA2573150251.